The following is an entry in ClinVar:

ClinVar aggregate classification (germline): Uncertain significance (1 of 4 stars; one submission).

Conditions:
Cardiovascular phenotype. Identifiers: MedGen CN230736.

gnomAD v4.1: 3 of 1,613,790 alleles (0.00019%); highest among the groups gnomAD compares: Admixed American, 0.005%; no homozygotes.

Submission:

Ambry Genetics
Classification: Uncertain significance for Cardiovascular phenotype. Last evaluated: 2025-03-25. Review status: criteria provided, single submitter. Criteria: Ambry Variant Classification Scheme 2023. Collection method: clinical testing. Allele origin: germline.
Comment: The p.H410Y variant (also known as c.1228C>T), located in coding exon 10 of the ABCA1 gene, results from a C to T substitution at nucleotide position 1228. The histidine at codon 410 is replaced by tyrosine, an amino acid with similar properties. This amino acid position is conserved. In addition, this alteration is predicted to be tolerated by in silico analysis. Based on the available evidence, the clinical significance of this variant remains unclear.

NM_005502.4(ABCA1):c.1228C>T (p.His410Tyr)

Gene: ABCA1 (ATP binding cassette subfamily A member 1; minus strand). Cytogenetic location: 9q31.1.
Variant type: single nucleotide variant.
Coding change: c.1228C>T on transcript NM_005502.4 (MANE Select); coding-DNA position 1228, C replaced by T.
Protein change: p.His410Tyr; replaces histidine 410 with tyrosine.
Molecular consequence: missense variant.
Genome position (GRCh38, 1-based): chr9:104,837,063, G>A on the plus strand (C>T on the coding strand, the complement: ABCA1 is on the minus strand). VCF-style: chr9-104837063-G-A. GRCh37 (hg19) VCF-style: chr9-107599344-G-A.
Other names: short protein forms H410Y.
Identifiers: ClinVar variation 3934516 (VCV003934516.1).